The following is an entry in ClinVar:

NM_001290043.2(TAP2):c.724C>T (p.Gln242Ter)

Genes: TAP2 (transporter 2, ATP binding cassette subfamily B member; minus strand), LOC107648851 (meiotic recombination hotspot TAP2; plus strand). Cytogenetic location: 6p21.32.
Variant type: single nucleotide variant.
Coding change: c.724C>T on transcript NM_001290043.2 (MANE Select); coding-DNA position 724, C replaced by T.
Protein change: p.Gln242Ter; replaces glutamine 242 with a stop codon.
Molecular consequence: nonsense.
Genome position (GRCh38, 1-based): chr6:32,835,658, G>A on the plus strand (C>T on the coding strand, the complement: TAP2 is on the minus strand). VCF-style: chr6-32835658-G-A. GRCh37 (hg19) VCF-style: chr6-32803435-G-A.
Other names: c.724C>T, p.Gln242Ter (NM_000544.3, NM_018833.3); short protein forms Q242*.
Identifiers: ClinVar variation 2033577 (VCV002033577.4), dbSNP rs2483045582, ClinGen allele CA363585044.
Genomic context (GRCh38, chr6:32,835,658, plus strand): 5'-CAAGGGATGTCCATGGGAATCTCAGACCTGGACTCCAGGCCCCACCTGTCTTAGTCTCCT[G>A]GAAGAAACCGAGGTCCTGGCGCAGCAGGGAGGAGAAAAGCTGCTCCCGGATCCGCAAGTT-3'

ClinVar aggregate classification (germline): Pathogenic (1 of 4 stars; one submission).

Conditions:
MHC class I deficiency. Identifiers: Orphanet 34592, MedGen C6024714, MONDO:0011476.

Submission:

Labcorp Genetics (formerly Invitae), Labcorp
Classification: Pathogenic for MHC class I deficiency 1. Last evaluated: 2022-10-01. Review status: criteria provided, single submitter. Criteria: Invitae Variant Classification Sherloc (09022015). Collection method: clinical testing. Allele origin: germline.
Comment: This variant has not been reported in the literature in individuals affected with TAP2-related conditions. This variant is not present in population databases (gnomAD no frequency). This sequence change creates a premature translational stop signal (p.Gln242*) in the TAP2 gene. It is expected to result in an absent or disrupted protein product. Loss-of-function variants in TAP2 are known to be pathogenic (PMID: 7517574, 11529920, 12067308, 23662797). For these reasons, this variant has been classified as Pathogenic.

Literature cited by the submitters: PubMed 7517574; PubMed 11529920; PubMed 12067308; PubMed 23662797.